The following is an entry in ClinVar:

ClinVar aggregate classification (germline): Uncertain significance. Review status: criteria provided, multiple submitters, no conflicts (2 of 4 stars). 2 submissions from 2 submitters: Uncertain significance (2). Last evaluated 2026-04-08.

Conditions:
Hereditary cancer-predisposing syndrome. Also called: Tumor predisposition; Hereditary neoplastic syndrome; Neoplastic Syndromes, Hereditary; Hereditary Cancer Syndrome. Identifiers: Orphanet 140162, MedGen C0027672, MeSH D009386, MONDO:0015356.
Cardiovascular phenotype. Identifiers: MedGen CN230736.
Neurofibromatosis, type 1 (NF1). Also called: Neurofibromatosis, type I; Peripheral type neurofibromatosis; VON RECKLINGHAUSEN DISEASE; NEUROFIBROMATOSIS, TYPE I, SOMATIC. Identifiers: Orphanet 636, MedGen C0027831, MONDO:0018975, OMIM 162200. Disease mechanism: loss of function.

Submissions (2):

Ambry Genetics
Classification: Uncertain significance for Cardiovascular phenotype; Hereditary cancer-predisposing syndrome. Last evaluated: 2026-04-08. Review status: criteria provided, single submitter. Criteria: Ambry Variant Classification Scheme 2023. Collection method: clinical testing. Allele origin: germline.
Comment: The p.A1575D variant (also known as c.4724C>A), located in coding exon 35 of the NF1 gene, results from a C to A substitution at nucleotide position 4724. The alanine at codon 1575 is replaced by aspartic acid, an amino acid with dissimilar properties. This amino acid position is highly conserved in available vertebrate species. In addition, this alteration is predicted to be deleterious by in silico analysis. Based on the available evidence, the clinical significance of this variant remains unclear.

Labcorp Genetics (formerly Invitae), Labcorp
Classification: Uncertain significance for Neurofibromatosis, type 1. Last evaluated: 2023-09-10. Review status: criteria provided, single submitter. Criteria: Invitae Variant Classification Sherloc (09022015). Collection method: clinical testing. Allele origin: germline.
Comment: This variant disrupts the p.Ala1575 amino acid residue in NF1. Other variant(s) that disrupt this residue have been determined to be pathogenic (PMID: 31573083; Invitae). This suggests that this residue is clinically significant, and that variants that disrupt this residue are likely to be disease-causing. In summary, the available evidence is currently insufficient to determine the role of this variant in disease. Therefore, it has been classified as a Variant of Uncertain Significance. Advanced modeling of protein sequence and biophysical properties (such as structural, functional, and spatial information, amino acid conservation, physicochemical variation, residue mobility, and thermodynamic stability) performed at Invitae indicates that this missense variant is expected to disrupt NF1 protein function. This variant has not been reported in the literature in individuals affected with NF1-related conditions. This variant is not present in population databases (gnomAD no frequency). This sequence change replaces alanine, which is neutral and non-polar, with aspartic acid, which is acidic and polar, at codon 1575 of the NF1 protein (p.Ala1575Asp).

Literature cited by the submitters: PubMed 31573083 (cited by Labcorp Genetics (formerly Invitae), Labcorp).

NM_001042492.3(NF1):c.4787C>A (p.Ala1596Asp)

Gene: NF1 (neurofibromin 1; plus strand). Cytogenetic location: 17q11.2.
Variant type: single nucleotide variant.
Coding change: c.4787C>A on transcript NM_001042492.3 (MANE Select); coding-DNA position 4787, C replaced by A.
Protein change: p.Ala1596Asp; replaces alanine 1596 with aspartic acid.
Molecular consequence: missense variant.
Genome position (GRCh38, 1-based): chr17:31,265,291, C>A. VCF-style: chr17-31265291-C-A. GRCh37 (hg19) VCF-style: chr17-29592309-C-A.
Other names: c.4724C>A, p.Ala1575Asp (NM_000267.4); short protein forms A1596D, A1575D.
Identifiers: ClinVar variation 2759647 (VCV002759647.4), dbSNP rs1567865042, ClinGen allele CA399001292.